The following is an entry in ClinVar:

NM_000038.6(APC):c.8197C>T (p.Gln2733Ter)

Gene: APC (APC regulator of Wnt signaling pathway; plus strand). Cytogenetic location: 5q22.2.
Variant type: single nucleotide variant.
Coding change: c.8197C>T on transcript NM_000038.6 (MANE Select); coding-DNA position 8197, C replaced by T.
Protein change: p.Gln2733Ter; replaces glutamine 2733 with a stop codon.
Molecular consequence: nonsense. On other transcripts: non-coding transcript variant (2).
Genome position (GRCh38, 1-based): chr5:112,843,791, C>T. VCF-style: chr5-112843791-C-T. GRCh37 (hg19) VCF-style: chr5-112179488-C-T.
Other names: c.8197C>T, p.Gln2733Ter (NM_001127510.3, NM_001354895.2, NM_001407450.1); c.8143C>T, p.Gln2715Ter (NM_001127511.3); c.8251C>T, p.Gln2751Ter (NM_001354896.2, NM_001407447.1, NM_001407448.1 and 1 more transcripts); c.8227C>T, p.Gln2743Ter (NM_001354897.2); c.8122C>T, p.Gln2708Ter (NM_001354898.2); c.8113C>T, p.Gln2705Ter (NM_001354899.2); c.8074C>T, p.Gln2692Ter (NM_001354900.2); c.8020C>T, p.Gln2674Ter (NM_001354901.2, NM_001407453.1); and 11 more; short protein forms Q2604*, Q2607*, Q2692*, Q2733*, Q2743*, Q2349*, Q2632*, Q2650*.
Identifiers: ClinVar variation 2826610 (VCV002826610.3), dbSNP rs1429919728, ClinGen allele CA16039126.
Genomic context (GRCh38, chr5:112,843,791, plus strand): 5'-ATGCGTACCGTGGGTTTGGAAAATCGCCTGAACTCCTTTATTCAGGTGGATGCCCCTGAC[C>T]AAAAAGGAACTGAGATAAAACCAGGACAAAATAATCCTGTCCCTGTATCAGAGACTAATG-3'

ClinVar aggregate classification (germline): Uncertain significance (1 of 4 stars; one submission).

Conditions:
Familial adenomatous polyposis 1 (FAP1). Also called: POLYPOSIS, ADENOMATOUS INTESTINAL; FAMILIAL ADENOMATOUS POLYPOSIS 1, ATTENUATED. Identifiers: MedGen C2713442, MONDO:0021056, OMIM 175100. Disease mechanism: loss of function.

Submission:

Labcorp Genetics (formerly Invitae), Labcorp
Classification: Uncertain significance for Familial adenomatous polyposis 1. Last evaluated: 2025-07-30. Review status: criteria provided, single submitter. Criteria: Invitae Variant Classification Sherloc (09022015). Collection method: clinical testing. Allele origin: germline.
Comment: This sequence change creates a premature translational stop signal (p.Gln2733*) in the APC gene. While this is not anticipated to result in nonsense mediated decay, it is expected to disrupt the last 111 amino acid(s) of the APC protein. This variant is not present in population databases (gnomAD no frequency). This variant has not been reported in the literature in individuals affected with APC-related conditions. ClinVar contains an entry for this variant (Variation ID: 2826610). This variant disrupts a region of the APC protein in which other variant(s) (p.Arg2780*) have been observed in individuals with APC-related conditions (internal data). This suggests that this is a clinically significant region of the protein, and that variants that disrupt it are likely to be disease-causing. In summary, the available evidence is currently insufficient to determine the role of this variant in disease. Therefore, it has been classified as a Variant of Uncertain Significance.